The following is an entry in ClinVar:

ClinVar aggregate classification (germline): Uncertain significance. Review status: criteria provided, multiple submitters, no conflicts (2 of 4 stars). 3 submissions from 3 submitters: Uncertain significance (3). Last evaluated 2025-06-24.

Conditions:
RYR1-related disorder. Also called: RYR1-related condition; RYR1-related disorders. Identifiers: MedGen CN239331.
Malignant hyperthermia, susceptibility to, 1 (MHS1). Also called: Anesthesia related hyperthermia; Malignant hyperpyrexia; Fulminating hyperpyrexia; Pharmacogenic myopathy; RYR1-Related Malignant Hyperthermia Susceptibility; Malignant hyperthermia suceptibility 1. Identifiers: Orphanet 423, MedGen C2930980, MONDO:0007783, OMIM 145600.

Allele frequency attached by ClinVar (database versions not stated): gnomAD exomes below 0.00001; TOPMed below 0.00001; gnomAD 0.00001.
gnomAD v4.1: 3 of 1,613,928 alleles (0.00019%); highest among the groups gnomAD compares: African/African-American, 0.0027%; no homozygotes.

Submissions (3):

Labcorp Genetics (formerly Invitae), Labcorp
Classification: Uncertain significance for RYR1-related disorder. Last evaluated: 2025-06-24. Review status: criteria provided, single submitter. Criteria: Invitae Variant Classification Sherloc (09022015). Collection method: clinical testing. Allele origin: germline.
Comment: This sequence change replaces proline, which is neutral and non-polar, with leucine, which is neutral and non-polar, at codon 4157 of the RYR1 protein (p.Pro4157Leu). This variant is not present in population databases (gnomAD no frequency). This variant has not been reported in the literature in individuals affected with RYR1-related conditions. ClinVar contains an entry for this variant (Variation ID: 3072841). Invitae Evidence Modeling of protein sequence and biophysical properties (such as structural, functional, and spatial information, amino acid conservation, physicochemical variation, residue mobility, and thermodynamic stability) indicates that this missense variant is not expected to disrupt RYR1 protein function with a negative predictive value of 80%. In summary, the available evidence is currently insufficient to determine the role of this variant in disease. Therefore, it has been classified as a Variant of Uncertain Significance.

GeneDx
Classification: Uncertain significance. Last evaluated: 2025-03-20. Review status: criteria provided, single submitter. Criteria: GeneDx Variant Classification Process June 2021. Collection method: clinical testing. Allele origin: germline. Affected: yes.
Comment: Not observed at significant frequency in large population cohorts (gnomAD); In silico analysis supports that this missense variant has a deleterious effect on protein structure/function; Has not been previously published as pathogenic or benign to our knowledge

All of Us Research Program, National Institutes of Health
Classification: Uncertain significance for Malignant hyperthermia, susceptibility to, 1. Last evaluated: 2023-08-15. Review status: criteria provided, single submitter. Criteria: ACMG Guidelines, 2015. Collection method: clinical testing. Allele origin: germline. Inheritance: Autosomal dominant inheritance. Observed: 1 variant allele, 1 heterozygote.
Comment: This study involves interpretation of variants in research participants for the purpose of population health screening. Participant phenotype was not available at the time of variant classification. Additional details can be found in publication PMID: 35346344, PMCID: PMC8962531

NM_000540.3(RYR1):c.12470C>T (p.Pro4157Leu)

Gene: RYR1 (ryanodine receptor 1; plus strand). Cytogenetic location: 19q13.2.
Variant type: single nucleotide variant.
Coding change: c.12470C>T on transcript NM_000540.3 (MANE Select); coding-DNA position 12470, C replaced by T.
Protein change: p.Pro4157Leu; replaces proline 4157 with leucine.
Molecular consequence: missense variant.
Genome position (GRCh38, 1-based): chr19:38,561,300, C>T. VCF-style: chr19-38561300-C-T. GRCh37 (hg19) VCF-style: chr19-39051940-C-T.
Other names: c.12455C>T, p.Pro4152Leu (NM_001042723.2); short protein forms P4152L, P4157L.
Identifiers: ClinVar variation 3072841 (VCV003072841.3), dbSNP rs1028534625, ClinGen allele CA308105811.